The following is an entry in ClinVar:

NM_005172.2(ATOH1):c.92CGC[6] (p.Pro35_Gln36insPro)

Gene: ATOH1 (atonal bHLH transcription factor 1; plus strand). Cytogenetic location: 4q22.2.
Variant type: Microsatellite.
Coding change: c.92CGC[6] on transcript NM_005172.2 (MANE Select); six copies in a row of the 3-base unit CGC starting at c.92; the reference has five copies in a row; one copy, 3 bases duplicated.
Protein change: p.Pro35_Gln36insPro.
Molecular consequence: inframe insertion.
Genome position (GRCh38, 1-based): chr4:93,829,030-93,829,032, CGC duplicated; duplicating any 3 consecutive bases within chr4:93,829,017-93,829,032 gives the same sequence; the position shown is the placement nearest the transcript's 3' end. VCF-style (leftmost placement, unchanged base first): chr4-93829016-A-ACCG. GRCh37 (hg19) VCF-style: chr4-94750167-A-ACCG.
Identifiers: ClinVar variation 4985530 (VCV004985530.1).
Genomic context (GRCh38, chr4:93,829,016, plus strand): 5'-GGCTGAAGTGAAGGAGTTGGGAGACCACCATCGCCAGCCCCAGCCGCATCATCTCCCGCA[A>ACCG]CCGCCGCCGCCGCCGCAGCCACCTGCAACTTTGCAGGCGAGAGAGCATCCCGTCTACCCG-3'

ClinVar aggregate classification (germline): Uncertain significance (1 of 4 stars; one submission).

Conditions:
ATOH1-related disorder. Also called: ATOH1-related condition.

Submission:

PreventionGenetics, part of Exact Sciences
Classification: Uncertain significance for ATOH1-related condition. Last evaluated: 2025-04-02. Review status: criteria provided, single submitter. Criteria: ACMG Guidelines, 2015. Collection method: clinical testing. Allele origin: germline.
Comment: The ATOH1 c.104_106dupCGC variant is predicted to result in an in-frame duplication (p.Pro35dup). To our knowledge, this variant has not been reported in the literature. This variant is reported in 0.0029% of alleles in individuals of Latino descent in gnomAD. At this time, the clinical significance of this variant is uncertain due to the absence of conclusive functional and genetic evidence.